The following is an entry in ClinVar:

NM_001042492.3(NF1):c.2483del (p.Leu828fs)

Gene: NF1 (neurofibromin 1; plus strand). Cytogenetic location: 17q11.2.
Variant type: Deletion.
Coding change: c.2483del on transcript NM_001042492.3 (MANE Select); coding-DNA position 2483, one base deleted (T; older notation c.2483delT).
Protein change: p.Leu828fs; shifts the reading frame from leucine 828.
Molecular consequence: frameshift variant.
Genome position (GRCh38, 1-based): chr17:31,229,098, T deleted; the last of 3 consecutive T bases (chr17:31,229,096-31,229,098); deleting any one gives the same sequence. VCF-style (leftmost placement, unchanged base first): chr17-31229095-AT-A. GRCh37 (hg19) VCF-style: chr17-29556113-AT-A.
Other names: c.2483delT, p.Leu828Cysfs (NM_000267.4); short protein forms L828fs.
Identifiers: ClinVar variation 428943 (VCV000428943.12), dbSNP rs1131691069, ClinGen allele CA645369719.

ClinVar aggregate classification (germline): Pathogenic. Review status: criteria provided, multiple submitters, no conflicts (2 of 4 stars). 6 submissions from 6 submitters: Pathogenic (6). Last evaluated 2026-04-16.

Conditions:
Hereditary cancer-predisposing syndrome. Also called: Hereditary Cancer Syndrome; Neoplastic Syndromes, Hereditary; Hereditary neoplastic syndrome; Tumor predisposition. Identifiers: Orphanet 140162, MedGen C0027672, MeSH D009386, MONDO:0015356.
Neurofibromatosis, type 1 (NF1). Also called: VON RECKLINGHAUSEN DISEASE; NEUROFIBROMATOSIS, TYPE I, SOMATIC; Neurofibromatosis, type I; Peripheral type neurofibromatosis. Identifiers: Orphanet 636, MedGen C0027831, MONDO:0018975, OMIM 162200. Disease mechanism: loss of function.

Submissions (6):

Myriad Genetics, Inc.
Classification: Pathogenic for Neurofibromatosis, type 1. Last evaluated: 2026-04-16. Review status: criteria provided, single submitter. Criteria: Myriad Autosomal Dominant, Autosomal Recessive and X-Linked Classification Criteria (2023). Collection method: clinical testing. Allele origin: unknown.
Comment: This variant is considered pathogenic. This variant creates a frameshift predicted to result in premature protein truncation.

Labcorp Genetics (formerly Invitae), Labcorp
Classification: Pathogenic for Neurofibromatosis, type 1. Last evaluated: 2025-03-05. Review status: criteria provided, single submitter. Criteria: Invitae Variant Classification Sherloc (09022015). Collection method: clinical testing. Allele origin: germline.
Comment: This sequence change creates a premature translational stop signal (p.Leu828Cysfs*13) in the NF1 gene. It is expected to result in an absent or disrupted protein product. Loss-of-function variants in NF1 are known to be pathogenic (PMID: 10712197, 23913538). This variant is not present in population databases (gnomAD no frequency). This premature translational stop signal has been observed in individual(s) with clinical features of neurofibromatosis, type 1 (PMID: 23656349). ClinVar contains an entry for this variant (Variation ID: 428943). For these reasons, this variant has been classified as Pathogenic.

Molecular Pathology, Peter Maccallum Cancer Centre
Classification: Pathogenic for Neurofibromatosis, type 1. Last evaluated: 2024-01-25. Review status: criteria provided, single submitter. Criteria: ACMG Guidelines, 2015. Collection method: clinical testing. Allele origin: germline. Inheritance: Autosomal dominant inheritance.

3billion
Classification: Pathogenic for Neurofibromatosis, type 1. Last evaluated: 2023-02-23. Review status: criteria provided, single submitter. Criteria: ACMG Guidelines, 2015. Collection method: clinical testing. Allele origin: unknown. Affected: yes.
Comment: The variant is not observed in the gnomAD v2.1.1 dataset. This variant was predicted to result in a loss or disruption of normal protein function through nonsense-mediated decay (NMD) or protein truncation. Multiple pathogenic variants are reported downstream of the variant. The variant has been reported at least twice as pathogenic without evidence for the classification (ClinVar ID: VCV000428943 / PMID: 23656349). Therefore, this variant is classified as Pathogenic according to the recommendation of ACMG/AMP guideline.

GeneDx
Classification: Pathogenic. Last evaluated: 2021-02-01. Review status: criteria provided, single submitter. Criteria: GeneDx Variant Classification Process June 2021. Collection method: clinical testing. Allele origin: germline. Affected: yes.
Comment: Frameshift variant predicted to result in protein truncation or nonsense mediated decay in a gene for which loss-of-function is a known mechanism of disease; Not observed in large population cohorts (Lek 2016); This variant is associated with the following publications: (PMID: 30269836, 23656349)

Ambry Genetics
Classification: Pathogenic for Hereditary cancer-predisposing syndrome. Last evaluated: 2013-12-17. Review status: criteria provided, single submitter. Criteria: Ambry Autosomal Dominant and X-Linked criteria (10/2015). Collection method: clinical testing. Allele origin: germline. Observed: 1 variant allele.
Comment: The c.2483delT pathogenic mutation (also known as p.L828Cfs*13), located in coding exon 21 of the NF1 gene, results from a deletion of one nucleotide at position 2483, causing a translational frameshift with a predicted alternate stop codon. Since frameshifts are typically deleterious in nature, this alteration is interpreted as a disease-causing mutation (ACMG Recommendations for Standards for Interpretation and Reporting of Sequence Variations. Revision 2007. Genet Med. 2008;10:294).

Literature cited by the submitters: PubMed 10712197 (cited by Labcorp Genetics (formerly Invitae), Labcorp); PubMed 23913538 (cited by Labcorp Genetics (formerly Invitae), Labcorp); PubMed 23656349 (cited by Labcorp Genetics (formerly Invitae), Labcorp and 3billion).